The following is an entry in ClinVar:

ClinVar aggregate classification (germline): Uncertain significance (1 of 4 stars; one submission).

Conditions:
Ataxia-telangiectasia syndrome (AT). Also called: ATAXIA-TELANGIECTASIA, COMPLEMENTATION GROUP A; ATAXIA-TELANGIECTASIA, FRESNO VARIANT; Ataxia-telangiectasia; Ataxia-telangiectasia, complementation group D; AT, COMPLEMENTATION GROUP C; Ataxia-telangiectasia, complementation group E. Identifiers: Orphanet 100, MedGen C0004135, MONDO:0008840, OMIM 208900.

Submission:

Labcorp Genetics (formerly Invitae), Labcorp
Classification: Uncertain significance for Ataxia-telangiectasia syndrome. Last evaluated: 2019-04-01. Review status: criteria provided, single submitter. Criteria: Invitae Variant Classification Sherloc (09022015). Collection method: clinical testing. Allele origin: germline.
Comment: In summary, the available evidence is currently insufficient to determine the role of this variant in disease. Therefore, it has been classified as a Variant of Uncertain Significance. Algorithms developed to predict the effect of missense changes on protein structure and function are either unavailable or do not agree on the potential impact of this missense change (SIFT: "Deleterious"; PolyPhen-2: "Probably Damaging"; Align-GVGD: "Class C0"). This variant has not been reported in the literature in individuals with ATM-related conditions. This variant is not present in population databases (ExAC no frequency). This sequence change replaces isoleucine with methionine at codon 2878 of the ATM protein (p.Ile2878Met). The isoleucine residue is highly conserved and there is a small physicochemical difference between isoleucine and methionine.

NM_000051.4(ATM):c.8634A>G (p.Ile2878Met)

Genes: ATM (ATM serine/threonine kinase; plus strand), C11orf65 (chromosome 11 open reading frame 65; minus strand). Cytogenetic location: 11q22.3.
Variant type: single nucleotide variant.
Coding change: c.8634A>G on transcript NM_000051.4 (MANE Select); coding-DNA position 8634, A replaced by G.
Protein change: p.Ile2878Met; replaces isoleucine 2878 with methionine.
Molecular consequence: missense variant. On other transcripts: intron variant (2).
Genome position (GRCh38, 1-based): chr11:108,347,328, A>G. VCF-style: chr11-108347328-A-G. GRCh37 (hg19) VCF-style: chr11-108218055-A-G.
Other names: c.8634A>G, p.Ile2878Met (NM_001351834.2); c.641-38257T>C (NM_001330368.2); c.695-12036T>C (NM_001351110.2); short protein forms I2878M.
Identifiers: ClinVar variation 844599 (VCV000844599.10), dbSNP rs2088556289, ClinGen allele CA382520879.